The following is an entry in ClinVar:

NM_022765.4(MICAL1):c.2982-8C>T

Gene: MICAL1 (microtubule associated monooxygenase, calponin and LIM domain containing 1; minus strand). Cytogenetic location: 6q21.
Variant type: single nucleotide variant.
Coding change: c.2982-8C>T on transcript NM_022765.4 (MANE Select); 8 bases into the intron before coding-DNA position 2982, C replaced by T.
Molecular consequence: intron variant.
Genome position (GRCh38, 1-based): chr6:109,444,806, G>A on the plus strand (C>T on the coding strand, the complement: MICAL1 is on the minus strand). VCF-style: chr6-109444806-G-A. GRCh37 (hg19) VCF-style: chr6-109766009-G-A.
Other names: c.3039-8C>T (NM_001286613.2); c.2724-8C>T (NM_001159291.2).
Identifiers: ClinVar variation 712706 (VCV000712706.32), dbSNP rs199700552, ClinGen allele CA3952677.
Genomic context (GRCh38, chr6:109,444,806, plus strand): 5'-GTAGCTCCTGGTCCAGCTGCCACTGTTTCTCCTCCAGATTCAATTCCTGCACCCTGTGGA[G>A]GTCAGGGATTGTAGAAGCAGAGCTGTCTAAGGTGCCCAAGGGGCTGGAGCCTGGCCCATG-3'

ClinVar aggregate classification (germline): Benign/Likely benign. Review status: criteria provided, multiple submitters, no conflicts (2 of 4 stars). 2 submissions from 2 submitters: Benign (1); Likely benign (1). Last evaluated 2026-01-28.

Allele frequency attached by ClinVar (database versions not stated): TOPMed 0.00151; ESP Exome Variant Server 0.00169; gnomAD 0.00175; 1000 Genomes Project 30x 0.00328; 1000 Genomes Project 0.00339.
gnomAD v4.1: 4,755 of 1,614,204 alleles (0.29%); highest among the groups gnomAD compares: South Asian, 1.1%; 25 homozygotes.

Submissions (2):

Labcorp Genetics (formerly Invitae), Labcorp
Classification: Benign. Last evaluated: 2026-01-28. Review status: criteria provided, single submitter. Criteria: Invitae Variant Classification Sherloc (09022015). Collection method: clinical testing. Allele origin: germline.

CeGaT Center for Human Genetics Tuebingen
Classification: Likely benign. Last evaluated: 2023-08-01. Review status: criteria provided, single submitter. Criteria: CeGaT Center For Human Genetics Tuebingen Variant Classification Criteria Version 2. Collection method: clinical testing. Allele origin: germline. Affected: yes. Observed: 2 variant alleles.
Comment: MICAL1: BP4, BS2